The following is an entry in ClinVar:

NM_001440.4(EXTL3):c.114C>T (p.Val38=)

Gene: EXTL3 (exostosin like glycosyltransferase 3; plus strand). Cytogenetic location: 8p21.1.
Variant type: single nucleotide variant.
Coding change: c.114C>T on transcript NM_001440.4 (MANE Select); coding-DNA position 114, C replaced by T.
Protein change: p.Val38=; no amino-acid change (valine 38 retained).
Molecular consequence: synonymous variant.
Genome position (GRCh38, 1-based): chr8:28,716,173, C>T. VCF-style: chr8-28716173-C-T. GRCh37 (hg19) VCF-style: chr8-28573690-C-T.
Identifiers: ClinVar variation 1981927 (VCV001981927.19), dbSNP rs985736527, ClinGen allele CA174385255.

ClinVar aggregate classification (germline): Likely benign. Review status: criteria provided, multiple submitters, no conflicts (2 of 4 stars). 3 submissions from 3 submitters: Likely benign (3). Last evaluated 2025-04-11.

Allele frequency attached by ClinVar (database versions not stated): gnomAD exomes 0.00004.
gnomAD v4.1: 62 of 1,614,192 alleles (0.0038%); highest among the groups gnomAD compares: Non-Finnish European, 0.0051%; no homozygotes.

Submissions (3):

Labcorp Genetics (formerly Invitae), Labcorp
Classification: Likely benign. Last evaluated: 2025-04-11. Review status: criteria provided, single submitter. Criteria: Invitae Variant Classification Sherloc (09022015). Collection method: clinical testing. Allele origin: germline.

CeGaT Center for Human Genetics Tuebingen
Classification: Likely benign. Last evaluated: 2024-09-01. Review status: criteria provided, single submitter. Criteria: CeGaT Center For Human Genetics Tuebingen Variant Classification Criteria Version 2. Collection method: clinical testing. Allele origin: germline. Affected: yes. Observed: 1 variant allele.
Comment: EXTL3: BP4, BP7

Blueprint Genetics
Classification: Likely benign. Last evaluated: 2022-07-26. Review status: criteria provided, single submitter. Criteria: ACMG Guidelines, 2015. Collection method: clinical testing. Allele origin: germline.